The following is an entry in ClinVar:

NM_002691.4(POLD1):c.3244del (p.Arg1082fs)

Gene: POLD1 (DNA polymerase delta 1, catalytic subunit; plus strand). Cytogenetic location: 19q13.33.
Variant type: Deletion.
Coding change: c.3244del on transcript NM_002691.4 (MANE Select); coding-DNA position 3244, one base deleted (C; older notation c.3244delC).
Protein change: p.Arg1082fs; shifts the reading frame from arginine 1082.
Molecular consequence: frameshift variant. On other transcripts: non-coding transcript variant (1).
Genome position (GRCh38, 1-based): chr19:50,417,867, C deleted. VCF-style (leftmost placement, unchanged base first): chr19-50417866-GC-G. GRCh37 (hg19) VCF-style: chr19-50921123-GC-G.
Other names: c.3244del, p.Arg1082fs (NM_001256849.1); c.3322del, p.Arg1108fs (NM_001308632.1); short protein forms R1108fs, R1082fs.
Identifiers: ClinVar variation 1480697 (VCV001480697.6), dbSNP rs2122521707, ClinGen allele CA2573156791.
Genomic context (GRCh38, chr19:50,417,866, plus strand): 5'-GGCTGGTCCTGACCCTGCCCCTGCCCCCACCCGCAGCCGGGACTGCCCCATCTTCTACAT[GC>G]GCAAGAAGGTGCGGAAGGACCTGGAAGACCAGGAGCAGCTCCTGCGGCGCTTCGGACCCC-3'

ClinVar aggregate classification (germline): Uncertain significance (1 of 4 stars; one submission).

Conditions:
POLD1-related polyposis and colorectal cancer syndrome (CRCS10). Also called: Colorectal cancer 10; COLORECTAL CANCER, SUSCEPTIBILITY TO, ON CHROMOSOME 19q; Colorectal cancer, susceptibility to, 10. Identifiers: Orphanet 220460, MedGen C2675481, MONDO:0012953, OMIM 612591.

Submission:

Labcorp Genetics (formerly Invitae), Labcorp
Classification: Uncertain significance for POLD1-related polyposis and colorectal cancer syndrome. Last evaluated: 2023-12-06. Review status: criteria provided, single submitter. Criteria: Invitae Variant Classification Sherloc (09022015). Collection method: clinical testing. Allele origin: germline.
Comment: This sequence change results in a frameshift in the POLD1 gene (p.Arg1082Alafs*42). While this is not anticipated to result in nonsense mediated decay, it is expected to disrupt the last 26 amino acid(s) of the POLD1 protein and extend the protein by 15 additional amino acid residues. This variant is not present in population databases (gnomAD no frequency). This variant has not been reported in the literature in individuals affected with POLD1-related conditions. ClinVar contains an entry for this variant (Variation ID: 1480697). In summary, the available evidence is currently insufficient to determine the role of this variant in disease. Therefore, it has been classified as a Variant of Uncertain Significance.